The following is an entry in ClinVar:

NM_007344.4(TTF1):c.912G>A (p.Gly304=)

Gene: TTF1 (transcription termination factor 1; minus strand). Cytogenetic location: 9q34.13.
Variant type: single nucleotide variant.
Coding change: c.912G>A on transcript NM_007344.4 (MANE Select); coding-DNA position 912, G replaced by A.
Protein change: p.Gly304=; no amino-acid change (glycine 304 retained).
Molecular consequence: synonymous variant. On other transcripts: non-coding transcript variant (1), intron variant (1).
Genome position (GRCh38, 1-based): chr9:132,401,910, C>T on the plus strand (G>A on the coding strand, the complement: TTF1 is on the minus strand). VCF-style: chr9-132401910-C-T. GRCh37 (hg19) VCF-style: chr9-135277297-C-T.
Other names: c.-178-1652G>A (NM_001205296.2).
Identifiers: ClinVar variation 2659656 (VCV002659656.24), dbSNP rs140776005, ClinGen allele CA5298670.

ClinVar aggregate classification (germline): Benign (1 of 4 stars; one submission).

Allele frequency attached by ClinVar (database versions not stated): 1000 Genomes Project 0.00359; TOPMed 0.00843; gnomAD 0.00869; ExAC 0.00946; ESP Exome Variant Server 0.00946.
gnomAD v4.1: 17,735 of 1,612,260 alleles (1.1%); highest among the groups gnomAD compares: Middle Eastern, 1.6%; 138 homozygotes.

Submission:

CeGaT Center for Human Genetics Tuebingen
Classification: Benign. Last evaluated: 2026-02-01. Review status: criteria provided, single submitter. Criteria: CeGaT Center For Human Genetics Tuebingen Variant Classification Criteria Version 2. Collection method: clinical testing. Allele origin: germline. Affected: yes. Observed: 3 variant alleles.
Comment: TTF1: BP4, BP7, BS1, BS2